The following is an entry in ClinVar:

ClinVar aggregate classification (germline): Uncertain significance (1 of 4 stars; one submission).

Submission:

Labcorp Genetics (formerly Invitae), Labcorp
Classification: Uncertain significance. Last evaluated: 2024-02-23. Review status: criteria provided, single submitter. Criteria: Invitae Variant Classification Sherloc (09022015). Collection method: clinical testing. Allele origin: germline.
Comment: This sequence change replaces arginine, which is basic and polar, with serine, which is neutral and polar, at codon 277 of the TRAF3IP1 protein (p.Arg277Ser). This variant is not present in population databases (gnomAD no frequency). This variant has not been reported in the literature in individuals affected with TRAF3IP1-related conditions. ClinVar contains an entry for this variant (Variation ID: 1047822). Advanced modeling of protein sequence and biophysical properties (such as structural, functional, and spatial information, amino acid conservation, physicochemical variation, residue mobility, and thermodynamic stability) has been performed at Invitae for this missense variant, however the output from this modeling did not meet the statistical confidence thresholds required to predict the impact of this variant on TRAF3IP1 protein function. In summary, the available evidence is currently insufficient to determine the role of this variant in disease. Therefore, it has been classified as a Variant of Uncertain Significance.

NM_015650.4(TRAF3IP1):c.831G>C (p.Arg277Ser)

Gene: TRAF3IP1 (TRAF3 interacting protein 1; plus strand). Cytogenetic location: 2q37.3.
Variant type: single nucleotide variant.
Coding change: c.831G>C on transcript NM_015650.4 (MANE Select); coding-DNA position 831, G replaced by C.
Protein change: p.Arg277Ser; replaces arginine 277 with serine.
Molecular consequence: missense variant.
Genome position (GRCh38, 1-based): chr2:238,329,258, G>C. VCF-style: chr2-238329258-G-C. GRCh37 (hg19) VCF-style: chr2-239237899-G-C.
Other names: c.831G>C, p.Arg277Ser (NM_001139490.1); short protein forms R277S.
Identifiers: ClinVar variation 1047822 (VCV001047822.8), dbSNP rs1374232250, ClinGen allele CA351246186.